The following is an entry in ClinVar:

ClinVar aggregate classification (germline): Likely benign. Review status: criteria provided, multiple submitters, no conflicts (2 of 4 stars). 2 submissions from 2 submitters: Likely benign (2). Last evaluated 2024-03-01.

Conditions:
Ayme-Gripp syndrome. Also called: Aymé-Gripp Syndrome. Identifiers: MedGen C1832812, MONDO:0010992, OMIM 601088.
Cataract 21 multiple types. Also called: CATARACT 21, MULTIPLE TYPES, WITH OR WITHOUT MICROCORNEA; CATARACT 21, CERULEAN, WITH OR WITHOUT MICROCORNEA; CATARACT 21, MULTIPLE TYPES, WITH MICROCORNEA; Cataract, congenital, cerulean type, 4. Identifiers: Orphanet 91492, MedGen C1857768, MONDO:0012437, OMIM 610202.

Allele frequency attached by ClinVar (database versions not stated): ExAC 0.00002; TOPMed 0.00002; gnomAD 0.00003; 1000 Genomes Project 30x 0.00016; 1000 Genomes Project 0.00020.
gnomAD v4.1: 34 of 1,610,594 alleles (0.0021%); highest among the groups gnomAD compares: Middle Eastern, 0.033%; no homozygotes.

Submissions (2):

CeGaT Center for Human Genetics Tuebingen
Classification: Likely benign. Last evaluated: 2024-03-01. Review status: criteria provided, single submitter. Criteria: CeGaT Center For Human Genetics Tuebingen Variant Classification Criteria Version 2. Collection method: clinical testing. Allele origin: germline. Affected: yes. Observed: 1 variant allele.
Comment: MAF: BP4, BP7

Labcorp Genetics (formerly Invitae), Labcorp
Classification: Likely benign for Cataract 21 multiple types; Ayme-Gripp syndrome. Last evaluated: 2022-02-28. Review status: criteria provided, single submitter. Criteria: Invitae Variant Classification Sherloc (09022015). Collection method: clinical testing. Allele origin: germline.

NM_005360.5(MAF):c.828G>A (p.Arg276=)

Gene: MAF (MAF bZIP transcription factor; minus strand). Cytogenetic location: 16q23.2.
Variant type: single nucleotide variant.
Coding change: c.828G>A on transcript NM_005360.5 (MANE Select); coding-DNA position 828, G replaced by A.
Protein change: p.Arg276=; no amino-acid change (arginine 276 retained).
Molecular consequence: synonymous variant.
Genome position (GRCh38, 1-based): chr16:79,599,075, C>T on the plus strand (G>A on the coding strand, the complement: MAF is on the minus strand). VCF-style: chr16-79599075-C-T. GRCh37 (hg19) VCF-style: chr16-79632972-C-T.
Other names: c.828G>A, p.Arg276= (NM_001031804.3).
Identifiers: ClinVar variation 2009875 (VCV002009875.25), dbSNP rs539852214, ClinGen allele CA8184026.
Genomic context (GRCh38, chr16:79,599,075, plus strand): 5'-CAGGGTCCGCCTCTTCTGCTTCAGCCGGATCACCTCCTCCTTGCTGACCCCGCGCAGCTG[C>T]CGGTTCAGCTCGCGCACAGACATGGTCACCAGCTGCTCGTCGGAGAAGCGGTCGTCGAAG-3'
Protein context (NP_005351.2, residues 266-286): LVTMSVRELN[Arg276=]QLRGVSKEEV